The following is an entry in ClinVar:

NM_000384.3(APOB):c.4868G>T (p.Gly1623Val)

Gene: APOB (apolipoprotein B; minus strand). Cytogenetic location: 2p24.1.
Variant type: single nucleotide variant.
Coding change: c.4868G>T on transcript NM_000384.3 (MANE Select); coding-DNA position 4868, G replaced by T.
Protein change: p.Gly1623Val; replaces glycine 1623 with valine.
Molecular consequence: missense variant.
Genome position (GRCh38, 1-based): chr2:21,012,000, C>A on the plus strand (G>T on the coding strand, the complement: APOB is on the minus strand). VCF-style: chr2-21012000-C-A. GRCh37 (hg19) VCF-style: chr2-21234872-C-A.
Other names: short protein forms G1623V.
Identifiers: ClinVar variation 946521 (VCV000946521.12), dbSNP rs753640735, ClinGen allele CA346005951.

ClinVar aggregate classification (germline): Uncertain significance (1 of 4 stars; one submission).

Conditions:
Familial hypobetalipoproteinemia 1. Also called: Hypobetalipoproteinemia, normotriglyceridemic; Acanthocytosis with hypobetalipoproteinemia; APOB-Related Familial Hypobetalipoproteinemia. Identifiers: MedGen C4551990, MONDO:0014252, OMIM 615558.
Hypercholesterolemia, autosomal dominant, type B (FHCL2). Also called: Familial Hypercholesterolemia Type B; HYPERCHOLESTEROLEMIA, FAMILIAL, DUE TO LIGAND-DEFECTIVE APOLIPOPROTEIN B; Familial hypercholesterolemia 2; APOB-Related Familial Hypercholesterolemia, Autosomal Dominant; APOLIPOPROTEIN B-100, FAMILIAL DEFECTIVE; APOLIPOPROTEIN B-100, FAMILIAL LIGAND-DEFECTIVE. Identifiers: MedGen C1704417, MONDO:0007751, OMIM 144010.

gnomAD v4.1: 6 of 1,614,112 alleles (0.00037%); highest among the groups gnomAD compares: South Asian, 0.0066%; no homozygotes.

Submission:

Labcorp Genetics (formerly Invitae), Labcorp
Classification: Uncertain significance for Familial hypobetalipoproteinemia 1; Hypercholesterolemia, autosomal dominant, type B. Last evaluated: 2019-07-30. Review status: criteria provided, single submitter. Criteria: Invitae Variant Classification Sherloc (09022015). Collection method: clinical testing. Allele origin: germline.
Comment: This variant has not been reported in the literature in individuals with APOB-related conditions. This variant is not present in population databases (ExAC no frequency). This sequence change replaces glycine with valine at codon 1623 of the APOB protein (p.Gly1623Val). The glycine residue is moderately conserved and there is a moderate physicochemical difference between glycine and valine. Algorithms developed to predict the effect of missense changes on protein structure and function are either unavailable or do not agree on the potential impact of this missense change (SIFT: "Deleterious"; PolyPhen-2: "Benign"; Align-GVGD: "Class C0"). In summary, the available evidence is currently insufficient to determine the role of this variant in disease. Therefore, it has been classified as a Variant of Uncertain Significance.